The following is an entry in ClinVar:

ClinVar aggregate classification (germline): Uncertain significance (1 of 4 stars; one submission).

Conditions:
Long QT syndrome (LQTS). Identifiers: MedGen C0023976, MeSH D008133, MONDO:0002442. Disease mechanism: loss of function. Inheritance: Various modes of inheritance.

Submission:

Labcorp Genetics (formerly Invitae), Labcorp
Classification: Uncertain significance for Long QT syndrome. Last evaluated: 2021-12-24. Review status: criteria provided, single submitter. Criteria: Invitae Variant Classification Sherloc (09022015). Collection method: clinical testing. Allele origin: germline.
Comment: In summary, the available evidence is currently insufficient to determine the role of this variant in disease. Therefore, it has been classified as a Variant of Uncertain Significance. This variant has not been reported in the literature in individuals affected with AKAP9-related conditions. This variant is not present in population databases (gnomAD no frequency). This sequence change creates a premature translational stop signal (p.Leu3091Tyrfs*11) in the AKAP9 gene. It is expected to result in an absent or disrupted protein product. However, the current clinical and genetic evidence is not sufficient to establish whether loss-of-function variants in AKAP9 cause disease.

NM_005751.5(AKAP9):c.9272del (p.Leu3091fs)

Gene: AKAP9 (A-kinase anchoring protein 9; plus strand). Cytogenetic location: 7q21.2.
Variant type: Deletion.
Coding change: c.9272del on transcript NM_005751.5 (MANE Select); coding-DNA position 9272, one base deleted (T; older notation c.9272delT).
Protein change: p.Leu3091fs; shifts the reading frame from leucine 3091.
Molecular consequence: frameshift variant.
Genome position (GRCh38, 1-based): chr7:92,089,443, T deleted; the last of 2 consecutive T bases (chr7:92,089,442-92,089,443); deleting either gives the same sequence. VCF-style (leftmost placement, unchanged base first): chr7-92089441-GT-G. GRCh37 (hg19) VCF-style: chr7-91718755-GT-G.
Other names: c.3917del, p.Leu1306fs (NM_001379277.1); c.9248del, p.Leu3083fs (NM_147185.3); short protein forms L1306fs, L3083fs, L3091fs.
Identifiers: ClinVar variation 2058079 (VCV002058079.4), dbSNP rs2535278051, ClinGen allele CA2580077439.